The following is an entry in ClinVar:

NM_020937.4(FANCM):c.1529G>A (p.Gly510Asp)

Gene: FANCM (FA complementation group M; plus strand). Cytogenetic location: 14q21.2.
Variant type: single nucleotide variant.
Coding change: c.1529G>A on transcript NM_020937.4 (MANE Select); coding-DNA position 1529, G replaced by A.
Protein change: p.Gly510Asp; replaces glycine 510 with aspartic acid.
Molecular consequence: missense variant.
Genome position (GRCh38, 1-based): chr14:45,159,228, G>A. VCF-style: chr14-45159228-G-A. GRCh37 (hg19) VCF-style: chr14-45628431-G-A.
Other names: c.1451G>A, p.Gly484Asp (NM_001308133.2); c.1529G>A, p.Gly510Asp (NM_001308134.2); short protein forms G484D, G510D.
Identifiers: ClinVar variation 4871151 (VCV004871151.1).

ClinVar aggregate classification (germline): Uncertain significance (1 of 4 stars; one submission).

Conditions:
Inborn genetic diseases. Identifiers: MedGen C0950123, MeSH D030342.

Submission:

Ambry Genetics
Classification: Uncertain significance for Inborn genetic diseases. Last evaluated: 2026-05-19. Review status: criteria provided, single submitter. Criteria: Ambry Variant Classification Scheme 2023. Collection method: clinical testing. Allele origin: germline.
Comment: The p.G510D variant (also known as c.1529G>A), located in coding exon 9 of the FANCM gene, results from a G to A substitution at nucleotide position 1529. The glycine at codon 510 is replaced by aspartic acid, an amino acid with similar properties. This amino acid position is conserved. In addition, the in silico prediction for this alteration is inconclusive. Based on the available evidence, the clinical significance of this variant remains unclear.